The following is an entry in ClinVar:

ClinVar aggregate classification (germline): Uncertain significance (1 of 4 stars; one submission).

Submission:

GeneDx
Classification: Uncertain significance. Last evaluated: 2025-01-14. Review status: criteria provided, single submitter. Criteria: GeneDx Variant Classification Process June 2021. Collection method: clinical testing. Allele origin: germline. Affected: yes.
Comment: Not observed at significant frequency in large population cohorts (gnomAD); In silico analysis supports that this missense variant has a deleterious effect on protein structure/function; In silico analysis is inconclusive as to whether the variant alters gene splicing. In the absence of RNA/functional studies, the actual effect of this sequence change is unknown.; Has not been previously published as pathogenic or benign to our knowledge

NM_000069.3(CACNA1S):c.3934G>T (p.Ala1312Ser)

Gene: CACNA1S (calcium voltage-gated channel subunit alpha1 S; minus strand). Cytogenetic location: 1q32.1.
Variant type: single nucleotide variant.
Coding change: c.3934G>T on transcript NM_000069.3 (MANE Select); coding-DNA position 3934, G replaced by T.
Protein change: p.Ala1312Ser; replaces alanine 1312 with serine.
Molecular consequence: missense variant.
Genome position (GRCh38, 1-based): chr1:201,052,576, C>A on the plus strand (G>T on the coding strand, the complement: CACNA1S is on the minus strand). VCF-style: chr1-201052576-C-A. GRCh37 (hg19) VCF-style: chr1-201021704-C-A.
Other names: short protein forms A1312S.
Identifiers: ClinVar variation 4057179 (VCV004057179.1).